The following is an entry in ClinVar:

NM_000552.5(VWF):c.341C>T (p.Ala114Val)

Gene: VWF (von Willebrand factor; minus strand). Cytogenetic location: 12p13.31.
Variant type: single nucleotide variant.
Coding change: c.341C>T on transcript NM_000552.5 (MANE Select); coding-DNA position 341, C replaced by T.
Protein change: p.Ala114Val; replaces alanine 114 with valine.
Molecular consequence: missense variant.
Genome position (GRCh38, 1-based): chr12:6,110,565, G>A on the plus strand (C>T on the coding strand, the complement: VWF is on the minus strand). VCF-style: chr12-6110565-G-A. GRCh37 (hg19) VCF-style: chr12-6219731-G-A.
Other names: p.Ala114Val; c.341C>T (NM_000552.4); short protein forms A114V.
Identifiers: ClinVar variation 3629885 (VCV003629885.2).
Genomic context (GRCh38, chr12:6,110,565, plus strand): 5'-TAGGCCTCACCGGACAGCTTGTAGTACCCAGCCTCAGTTTCTAGATACAGCCCTTTGGAG[G>A]CATAGGGCATGGAGACTCTGGAGGGCAAAGGCTAAGTTCAGAAGTGGGCTTCTTGTGCAT-3'
Protein context (NP_000543.3, residues 104-124): QGDQRVSMPY[Ala114Val]SKGLYLETEA

ClinVar aggregate classification (germline): Uncertain significance. Review status: criteria provided, multiple submitters, no conflicts (2 of 4 stars). 2 submissions from 2 submitters: Uncertain significance (2). Last evaluated 2025-04-16.

gnomAD v4.1: 5 of 1,614,054 alleles (0.00031%); highest among the groups gnomAD compares: Admixed American, 0.0083%; no homozygotes.

Submissions (2):

Mayo Clinic Laboratories, Mayo Clinic
Classification: Uncertain significance. Last evaluated: 2025-04-16. Review status: criteria provided, single submitter. Criteria: ACMG Guidelines, 2015. Collection method: clinical testing. Allele origin: germline. Observed: 1 variant allele.
Comment: PM2_supporting

Women's Health and Genetics/Laboratory Corporation of America, LabCorp
Classification: Uncertain significance. Last evaluated: 2024-11-01. Review status: criteria provided, single submitter. Criteria: LabCorp Variant Classification Summary - May 2015. Collection method: clinical testing. Allele origin: germline.
Comment: Variant summary: VWF c.341C>T (p.Ala114Val) results in a non-conservative amino acid change located in the von Willebrand factor, type D domain (IPR001846) of the encoded protein sequence. Four of five in-silico tools predict a damaging effect of the variant on protein function. The variant allele was found at a frequency of 4e-06 in 251492 control chromosomes. The available data on variant occurrences in the general population are insufficient to allow any conclusion about variant significance. To our knowledge, no occurrence of c.341C>T in individuals affected with Von Willebrand Disease and no experimental evidence demonstrating its impact on protein function have been reported. No submitters have cited clinical-significance assessments for this variant to ClinVar. Based on the evidence outlined above, the variant was classified as uncertain significance.